The following is an entry in ClinVar:

NM_003477.3(PDHX):c.851G>A (p.Arg284Gln)

Gene: PDHX (pyruvate dehydrogenase complex component X; plus strand). Cytogenetic location: 11p13.
Variant type: single nucleotide variant.
Coding change: c.851G>A on transcript NM_003477.3 (MANE Select); coding-DNA position 851, G replaced by A.
Protein change: p.Arg284Gln; replaces arginine 284 with glutamine.
Molecular consequence: missense variant. On other transcripts: intron variant (1).
Genome position (GRCh38, 1-based): chr11:34,970,173, G>A. VCF-style: chr11-34970173-G-A. GRCh37 (hg19) VCF-style: chr11-34991720-G-A.
Other names: c.671G>A, p.Arg224Gln (NM_001135024.2); c.343-14397G>A (NM_001166158.2); short protein forms R224Q, R284Q.
Identifiers: ClinVar variation 1357055 (VCV001357055.5), dbSNP rs763853325, ClinGen allele CA5946025.

ClinVar aggregate classification (germline): Uncertain significance. Review status: criteria provided, multiple submitters, no conflicts (2 of 4 stars). 2 submissions from 2 submitters: Uncertain significance (2). Last evaluated 2022-08-31.

Conditions:
Pyruvate dehydrogenase E3-binding protein deficiency (PDHXD). Also called: E3-Binding Protein (Component X) Deficiency; Lacticacidemia due to PDX1 deficiency; PYRUVATE HYDROGENASE E3-BINDING PROTEIN DEFICIENCY; LACTIC ACIDEMIA DUE TO DEFECT IN LIPOYL-CONTAINING COMPONENT X OF THE PYRUVATE DEHYDROGENASE COMPLEX. Identifiers: Orphanet 255182, MedGen C1855553, MONDO:0009503, OMIM 245349.

Allele frequency attached by ClinVar (database versions not stated): gnomAD exomes 0.00010; ExAC 0.00007.
gnomAD v4.1: 82 of 1,612,740 alleles (0.0051%); highest among the groups gnomAD compares: South Asian, 0.0066%; 1 homozygote.

Submissions (2):

Labcorp Genetics (formerly Invitae), Labcorp
Classification: Uncertain significance. Last evaluated: 2022-08-31. Review status: criteria provided, single submitter. Criteria: Invitae Variant Classification Sherloc (09022015). Collection method: clinical testing. Allele origin: germline.
Comment: In summary, the available evidence is currently insufficient to determine the role of this variant in disease. Therefore, it has been classified as a Variant of Uncertain Significance. Algorithms developed to predict the effect of missense changes on protein structure and function are either unavailable or do not agree on the potential impact of this missense change (SIFT: "Tolerated"; PolyPhen-2: "Probably Damaging"; Align-GVGD: "Class C0"). ClinVar contains an entry for this variant (Variation ID: 1357055). This variant has not been reported in the literature in individuals affected with PDHX-related conditions. This variant is present in population databases (rs763853325, gnomAD 0.2%). This sequence change replaces arginine, which is basic and polar, with glutamine, which is neutral and polar, at codon 284 of the PDHX protein (p.Arg284Gln).

Department of Pathology and Laboratory Medicine, Sinai Health System
Classification: Uncertain significance for Pyruvate dehydrogenase E3-binding protein deficiency. Last evaluated: 2021-07-30. Review status: criteria provided, single submitter. Criteria: ACMG Guidelines, 2015. Collection method: research. Allele origin: germline.